The following is an entry in ClinVar:

NM_005228.5(EGFR):c.956A>C (p.Glu319Ala)

Gene: EGFR (epidermal growth factor receptor; plus strand). Cytogenetic location: 7p11.2.
Variant type: single nucleotide variant.
Coding change: c.956A>C on transcript NM_005228.5 (MANE Select); coding-DNA position 956, A replaced by C.
Protein change: p.Glu319Ala; replaces glutamic acid 319 with alanine.
Molecular consequence: missense variant.
Genome position (GRCh38, 1-based): chr7:55,155,896, A>C. VCF-style: chr7-55155896-A-C. GRCh37 (hg19) VCF-style: chr7-55223589-A-C.
Other names: c.821A>C, p.Glu274Ala (NM_001346897.2, NM_001346899.2); c.956A>C, p.Glu319Ala (NM_001346898.2, NM_201282.2, NM_201283.2 and 1 more transcripts); c.797A>C, p.Glu266Ala (NM_001346900.2); c.155A>C, p.Glu52Ala (NM_001346941.2); short protein forms E319A, E274A, E266A, E52A.
Identifiers: ClinVar variation 4247304 (VCV004247304.2).

ClinVar aggregate classification (germline): Uncertain significance. Review status: criteria provided, multiple submitters, no conflicts (2 of 4 stars). 2 submissions from 2 submitters: Uncertain significance (2). Last evaluated 2026-08-06.

Conditions:
Hereditary cancer-predisposing syndrome. Also called: Neoplastic Syndromes, Hereditary; Tumor predisposition; Hereditary Cancer Syndrome; Hereditary neoplastic syndrome. Identifiers: Orphanet 140162, MedGen C0027672, MeSH D009386, MONDO:0015356.
Lung cancer. Also called: Lung cancer, somatic; Malignant tumor of lung. Identifiers: MedGen C0242379, MONDO:0008903, OMIM 211980.

gnomAD v4.1: 1 of 1,614,062 alleles (0.000062%); highest among the groups gnomAD compares: Non-Finnish European, 0.000085%; no homozygotes.

Submissions (2):

OLLIN Analises Genomicas, OLLIN
Classification: Uncertain significance for Lung cancer. Last evaluated: 2026-08-06. Review status: criteria provided, single submitter. Criteria: ACMG Guidelines 2015 PMID 25741868. Collection method: clinical testing. Allele origin: germline. Inheritance: Autosomal dominant inheritance.
Comment: This missense variant, located in exon 8 (of 28), has been reported in ClinVar (accession VCV004247304.1) and in gnomAD with an allele frequency of 0.000062%. However, to our knowledge, it has not been reported in the scientific literature. In silico analysis predicts that this variant has a deleterious effect. According to the currently available evidence, this variant has been classified as uncertain significance (PM2_P, PP3).

Ambry Genetics
Classification: Uncertain significance for Hereditary cancer-predisposing syndrome. Last evaluated: 2025-07-16. Review status: criteria provided, single submitter. Criteria: Ambry Variant Classification Scheme 2023. Collection method: clinical testing. Allele origin: germline.
Comment: The p.E319A variant (also known as c.956A>C), located in coding exon 8 of the EGFR gene, results from an A to C substitution at nucleotide position 956. The glutamic acid at codon 319 is replaced by alanine, an amino acid with dissimilar properties. This amino acid position is conserved. In addition, the in silico prediction for this alteration is inconclusive. Based on the available evidence, the clinical significance of this variant remains unclear.